The following is an entry in ClinVar:

ClinVar aggregate classification (germline): Conflicting classifications of pathogenicity. Review status: criteria provided, conflicting classifications (1 of 4 stars). 2 submissions from 2 submitters: Likely pathogenic (1); Uncertain significance (1). Last evaluated 2024-03-20.

Allele frequency attached by ClinVar (database versions not stated): ESP Exome Variant Server 0.00008; gnomAD 0.00003; TOPMed 0.00003.
gnomAD v4.1: 69 of 1,613,696 alleles (0.0043%); highest among the groups gnomAD compares: Non-Finnish European, 0.0055%; no homozygotes.

Submissions (2):

Women's Health and Genetics/Laboratory Corporation of America, LabCorp
Classification: Uncertain significance. Last evaluated: 2024-03-20. Review status: criteria provided, single submitter. Criteria: LabCorp Variant Classification Summary - May 2015. Collection method: clinical testing. Allele origin: germline.
Comment: Variant summary: COX10 c.1225C>T (p.Arg409Trp) results in a non-conservative amino acid change in the encoded protein sequence. Five of five in-silico tools predict a damaging effect of the variant on protein function. The variant allele was found at a frequency of 4e-05 in 248194 control chromosomes. This frequency does not allow for any conclusion about variant significance. To our knowledge, no occurrence of c.1225C>T in individuals affected with Mitochondrial Complex 4 Deficiency, Nuclear Type 3 and no experimental evidence demonstrating its impact on protein function have been reported. ClinVar contains an entry for this variant (Variation ID: 418144). Based on the evidence outlined above, the variant was classified as uncertain significance.

GeneDx
Classification: Likely pathogenic. Last evaluated: 2015-01-09. Review status: criteria provided, single submitter. Criteria: GeneDx Variant Classification (06012015). Collection method: clinical testing. Allele origin: germline. Affected: yes.
Comment: A R409W variant that is likely pathogenic was identified in the COX10 gene. It has not been published as a pathogenic variant, nor has it been reported as a benign polymorphism to our knowledge. The R409W variant is a non-conservative amino acid substitution, which is likely to impact secondary protein structure as these residues differ in polarity, charge, size and/or other properties. This substitution occurs at a position that is highly conserved across species. In silico analysis predicts this variant is probably damaging to the protein structure/function. Therefore, this variant is a strong candidate for a pathogenic variant, however the possibility that it is a benign variant cannot be excluded.

NM_001303.4(COX10):c.1225C>T (p.Arg409Trp)

Gene: COX10 (cytochrome c oxidase assembly factor heme A:farnesyltransferase COX10; plus strand). Cytogenetic location: 17p12.
Variant type: single nucleotide variant.
Coding change: c.1225C>T on transcript NM_001303.4 (MANE Select); coding-DNA position 1225, C replaced by T.
Protein change: p.Arg409Trp; replaces arginine 409 with tryptophan.
Molecular consequence: missense variant.
Genome position (GRCh38, 1-based): chr17:14,207,106, C>T. VCF-style: chr17-14207106-C-T. GRCh37 (hg19) VCF-style: chr17-14110423-C-T.
Other names: short protein forms R409W.
Identifiers: ClinVar variation 418144 (VCV000418144.4), dbSNP rs368918847, ClinGen allele CA8402566.